The following is an entry in ClinVar:

ClinVar aggregate classification (germline): Conflicting classifications of pathogenicity. Review status: criteria provided, conflicting classifications (1 of 4 stars). 2 submissions from 2 submitters: Pathogenic (1); Uncertain significance (1). Last evaluated 2024-07-03.

Allele frequency attached by ClinVar (database versions not stated): gnomAD exomes below 0.00001.
gnomAD v4.1: 1 of 1,207,525 alleles (0.000083%); highest among the groups gnomAD compares: Non-Finnish European, 0.00011%; no homozygotes.

Submissions (2):

Labcorp Genetics (formerly Invitae), Labcorp
Classification: Pathogenic. Last evaluated: 2024-07-03. Review status: criteria provided, single submitter. Criteria: Invitae Variant Classification Sherloc (09022015). Collection method: clinical testing. Allele origin: germline.
Comment: This sequence change creates a premature translational stop signal (p.Gln325*) in the DRP2 gene. It is expected to result in an absent or disrupted protein product. Loss-of-function variants in DRP2 are known to be pathogenic (PMID: 22764250, 26227883). This variant is not present in population databases (gnomAD no frequency). This variant has not been reported in the literature in individuals affected with DRP2-related conditions. ClinVar contains an entry for this variant (Variation ID: 547090). For these reasons, this variant has been classified as Pathogenic.

CeGaT Center for Human Genetics Tuebingen
Classification: Uncertain significance. Last evaluated: 2022-08-01. Review status: criteria provided, single submitter. Criteria: CeGaT Center For Human Genetics Tuebingen Variant Classification Criteria Version 2. Collection method: clinical testing. Allele origin: germline. Affected: yes. Observed: 2 variant alleles.
Comment: DRP2: PM2, PVS1:Moderate, PP4

Literature cited by the submitters: PubMed 22764250 (cited by Labcorp Genetics (formerly Invitae), Labcorp); PubMed 26227883 (cited by Labcorp Genetics (formerly Invitae), Labcorp).

NM_001939.3(DRP2):c.973C>T (p.Gln325Ter)

Gene: DRP2 (dystrophin related protein 2; plus strand). Cytogenetic location: Xq22.1.
Variant type: single nucleotide variant.
Coding change: c.973C>T on transcript NM_001939.3 (MANE Select); coding-DNA position 973, C replaced by T.
Protein change: p.Gln325Ter; replaces glutamine 325 with a stop codon.
Molecular consequence: nonsense.
Genome position (GRCh38, 1-based): chrX:101,242,469, C>T. VCF-style: chrX-101242469-C-T. GRCh37 (hg19) VCF-style: chrX-100497458-C-T.
Other names: c.739C>T, p.Gln247Ter (NM_001171184.2); short protein forms Q325*, Q247*.
Identifiers: ClinVar variation 547090 (VCV000547090.48), dbSNP rs1556419606, ClinGen allele CA413919458.